The following is an entry in ClinVar:

NM_015570.4(AUTS2):c.3599C>T (p.Thr1200Ile)

Gene: AUTS2 (activator of transcription and developmental regulator AUTS2; plus strand). Cytogenetic location: 7q11.22.
Variant type: single nucleotide variant.
Coding change: c.3599C>T on transcript NM_015570.4 (MANE Select); coding-DNA position 3599, C replaced by T.
Protein change: p.Thr1200Ile; replaces threonine 1200 with isoleucine.
Molecular consequence: missense variant.
Genome position (GRCh38, 1-based): chr7:70,790,815, C>T. VCF-style: chr7-70790815-C-T. GRCh37 (hg19) VCF-style: chr7-70255801-C-T.
Other names: c.3527C>T, p.Thr1176Ile (NM_001127231.3); short protein forms T1176I, T1200I.
Identifiers: ClinVar variation 2895211 (VCV002895211.10), dbSNP rs1475279630, ClinGen allele CA367666538.

ClinVar aggregate classification (germline): Conflicting classifications of pathogenicity. Review status: criteria provided, conflicting classifications (1 of 4 stars). 2 submissions from 2 submitters: Uncertain significance (1); Likely benign (1). Last evaluated 2025-04-01.

gnomAD v4.1: 12 of 1,606,534 alleles (0.00075%); highest among the groups gnomAD compares: Non-Finnish European, 0.001%; no homozygotes.

Submissions (2):

CeGaT Center for Human Genetics Tuebingen
Classification: Likely benign. Last evaluated: 2025-04-01. Review status: criteria provided, single submitter. Criteria: CeGaT Center For Human Genetics Tuebingen Variant Classification Criteria Version 2. Collection method: clinical testing. Allele origin: germline. Affected: yes. Observed: 1 variant allele.
Comment: AUTS2: BP5

Labcorp Genetics (formerly Invitae), Labcorp
Classification: Uncertain significance. Last evaluated: 2024-01-10. Review status: criteria provided, single submitter. Criteria: Invitae Variant Classification Sherloc (09022015). Collection method: clinical testing. Allele origin: germline.
Comment: This sequence change replaces threonine, which is neutral and polar, with isoleucine, which is neutral and non-polar, at codon 1200 of the AUTS2 protein (p.Thr1200Ile). This variant is present in population databases (no rsID available, gnomAD 0.0009%). This variant has not been reported in the literature in individuals affected with AUTS2-related conditions. Advanced modeling of protein sequence and biophysical properties (such as structural, functional, and spatial information, amino acid conservation, physicochemical variation, residue mobility, and thermodynamic stability) performed at Invitae indicates that this missense variant is not expected to disrupt AUTS2 protein function with a negative predictive value of 80%. In summary, the available evidence is currently insufficient to determine the role of this variant in disease. Therefore, it has been classified as a Variant of Uncertain Significance.